The following is an entry in ClinVar:

ClinVar aggregate classification (germline): Pathogenic. Review status: criteria provided, multiple submitters, no conflicts (2 of 4 stars). 2 submissions from 2 submitters: Pathogenic (2). Last evaluated 2022-02-03.

Submissions (2):

Labcorp Genetics (formerly Invitae), Labcorp
Classification: Pathogenic. Last evaluated: 2022-02-03. Review status: criteria provided, single submitter. Criteria: Invitae Variant Classification Sherloc (09022015). Collection method: clinical testing. Allele origin: germline.
Comment: For these reasons, this variant has been classified as Pathogenic. This sequence change creates a premature translational stop signal (p.Leu45*) in the FRMD7 gene. It is expected to result in an absent or disrupted protein product. Loss-of-function variants in FRMD7 are known to be pathogenic (PMID: 17013395). This variant is not present in population databases (gnomAD no frequency). This variant has not been reported in the literature in individuals affected with FRMD7-related conditions. ClinVar contains an entry for this variant (Variation ID: 871944).

CeGaT Center for Human Genetics Tuebingen
Classification: Pathogenic. Last evaluated: 2020-05-01. Review status: criteria provided, single submitter. Criteria: CeGaT Center For Human Genetics Tuebingen Variant Classification Criteria Version 2. Collection method: clinical testing. Allele origin: germline. Affected: yes. Observed: 2 variant alleles.

Literature cited by the submitters: PubMed 17013395 (cited by Labcorp Genetics (formerly Invitae), Labcorp).

NM_194277.3(FRMD7):c.134T>G (p.Leu45Ter)

Gene: FRMD7 (FERM domain containing 7; minus strand). Cytogenetic location: Xq26.2.
Variant type: single nucleotide variant.
Coding change: c.134T>G on transcript NM_194277.3 (MANE Select); coding-DNA position 134, T replaced by G.
Protein change: p.Leu45Ter; replaces leucine 45 with a stop codon.
Molecular consequence: nonsense.
Genome position (GRCh38, 1-based): chrX:132,100,640, A>C on the plus strand (T>G on the coding strand, the complement: FRMD7 is on the minus strand). VCF-style: chrX-132100640-A-C. GRCh37 (hg19) VCF-style: chrX-131234668-A-C.
Other names: c.134T>G, p.Leu45Ter (NM_001306193.2); short protein forms L45*.
Identifiers: ClinVar variation 871944 (VCV000871944.46), dbSNP rs1928472916, ClinGen allele CA414682159.